The following is an entry in ClinVar:

ClinVar aggregate classification (germline): Pathogenic (1 of 4 stars; one submission).

Submission:

Clinical Genomics Laboratory, Laboratory for Precision Diagnostics, University of Washington
Classification: Pathogenic. Last evaluated: 2022-10-12. Review status: criteria provided, single submitter. Criteria: ACMG/ClinGen CNV Guidelines, 2019. Collection method: clinical testing. Allele origin: maternal. Affected: yes. Observed: 1 variant allele.
Comment: This is the deletion of LCR22A-D found in the majority of people with 22q11.2 deletion syndrome.

Literature cited by the submitters: PubMed 25962607.

GRCh38/hg38 22q11.21(chr22:18901977-21109443)x1

Genes: AIFM3 (AIF family member 3; plus strand), ARVCF (ARVCF delta catenin family member; minus strand), C22orf39 (chromosome 22 open reading frame 39; minus strand), CCDC188 (coiled-coil domain containing 188; minus strand), CDC45 (cell division cycle 45; plus strand) and 172 more. Cytogenetic location: 22q11.21.
Variant type: copy number loss.
Change: copy number 1 (one copy instead of two) of chr22:18,901,977-21,109,443 (2.21 Mb, GRCh38 coordinates, 1-based), cytogenetic band 22q11.21.
Identifiers: ClinVar variation 4852062 (VCV004852062.1).